The following is an entry in ClinVar:

ClinVar aggregate classification (germline): Uncertain significance. Review status: criteria provided, multiple submitters, no conflicts (2 of 4 stars). 3 submissions from 3 submitters: Uncertain significance (3). Last evaluated 2024-05-22.

Conditions:
Congenital muscular dystrophy due to integrin alpha-7 deficiency. Also called: Congenital muscular dystrophy with integrin alpha-7 deficiency; Muscular dystrophy, congenital, due to ITGA7 deficiency; MYOPATHY, CONGENITAL, DUE TO INTEGRIN ALPHA-7 DEFICIENCY. Identifiers: Orphanet 34520, MedGen C2750786, MONDO:0013177, OMIM 613204.

Allele frequency attached by ClinVar (database versions not stated): gnomAD 0.00007; ESP Exome Variant Server 0.00008; TOPMed 0.00008.
gnomAD v4.1: 186 of 1,613,986 alleles (0.012%); highest among the groups gnomAD compares: Non-Finnish European, 0.014%; no homozygotes.

Submissions (3):

Revvity Omics, Revvity
Classification: Uncertain significance for Congenital muscular dystrophy due to integrin alpha-7 deficiency. Last evaluated: 2024-05-22. Review status: criteria provided, single submitter. Criteria: ACMG Guidelines, 2015. Collection method: clinical testing. Allele origin: germline.

Labcorp Genetics (formerly Invitae), Labcorp
Classification: Uncertain significance for Congenital muscular dystrophy due to integrin alpha-7 deficiency. Last evaluated: 2022-09-19. Review status: criteria provided, single submitter. Criteria: Invitae Variant Classification Sherloc (09022015). Collection method: clinical testing. Allele origin: germline.
Comment: This sequence change replaces arginine, which is basic and polar, with cysteine, which is neutral and slightly polar, at codon 542 of the ITGA7 protein (p.Arg542Cys). This variant is present in population databases (rs374384926, gnomAD 0.02%). This variant has not been reported in the literature in individuals affected with ITGA7-related conditions. ClinVar contains an entry for this variant (Variation ID: 470567). Advanced modeling of protein sequence and biophysical properties (such as structural, functional, and spatial information, amino acid conservation, physicochemical variation, residue mobility, and thermodynamic stability) performed at Invitae indicates that this missense variant is expected to disrupt ITGA7 protein function. In summary, the available evidence is currently insufficient to determine the role of this variant in disease. Therefore, it has been classified as a Variant of Uncertain Significance.

CeGaT Center for Human Genetics Tuebingen
Classification: Uncertain significance. Last evaluated: 2018-03-31. Review status: criteria provided, single submitter. Criteria: Praxis fuer Humangenetik Tuebingen - Variant Classification Criteria. Collection method: clinical testing. Allele origin: germline. Affected: yes. Observed: 1 variant allele.

NM_002206.3(ITGA7):c.1624C>T (p.Arg542Cys)

Gene: ITGA7 (integrin subunit alpha 7; minus strand). Cytogenetic location: 12q13.2.
Variant type: single nucleotide variant.
Coding change: c.1624C>T on transcript NM_002206.3 (MANE Select); coding-DNA position 1624, C replaced by T.
Protein change: p.Arg542Cys; replaces arginine 542 with cysteine.
Molecular consequence: missense variant.
Genome position (GRCh38, 1-based): chr12:55,697,012, G>A on the plus strand (C>T on the coding strand, the complement: ITGA7 is on the minus strand). VCF-style: chr12-55697012-G-A. GRCh37 (hg19) VCF-style: chr12-56090796-G-A.
Other names: c.1636C>T, p.Arg546Cys (NM_001144996.2); c.1345C>T, p.Arg449Cys (NM_001144997.2); c.1297C>T, p.Arg433Cys (NM_001367993.1); c.280C>T, p.Arg94Cys (NM_001367994.1); c.1606C>T, p.Arg536Cys (NM_001374465.1); c.1756C>T, p.Arg586Cys (NM_001410977.1); c.1618C>T, p.Arg540Cys (NM_001414029.1); c.1549C>T, p.Arg517Cys (NM_001414030.1); and 5 more; short protein forms R449C, R542C, R433C, R546C, R94C, R536C, R586C, R502C.
Identifiers: ClinVar variation 470567 (VCV000470567.10), dbSNP rs374384926, ClinGen allele CA6615876.